The following is an entry in ClinVar:

ClinVar aggregate classification (germline): Uncertain significance (1 of 4 stars; one submission).

Conditions:
Gastrointestinal stromal tumor. Also called: Gastrointestinal stromal tumor, somatic; Gastrointestinal stroma tumor. Identifiers: Orphanet 44890, MedGen C0238198, MeSH D046152, MONDO:0011719, OMIM 606764, HP:0100723.

Submission:

Labcorp Genetics (formerly Invitae), Labcorp
Classification: Uncertain significance for Gastrointestinal stromal tumor. Last evaluated: 2022-11-08. Review status: criteria provided, single submitter. Criteria: Invitae Variant Classification Sherloc (09022015). Collection method: clinical testing. Allele origin: germline.
Comment: This variant has not been reported in the literature in individuals affected with PDGFRA-related conditions. In summary, the available evidence is currently insufficient to determine the role of this variant in disease. Therefore, it has been classified as a Variant of Uncertain Significance. Algorithms developed to predict the effect of missense changes on protein structure and function are either unavailable or do not agree on the potential impact of this missense change (SIFT: "Deleterious"; PolyPhen-2: "Probably Damaging"; Align-GVGD: "Class C0"). ClinVar contains an entry for this variant (Variation ID: 566908). This variant is not present in population databases (gnomAD no frequency). This sequence change replaces aspartic acid, which is acidic and polar, with valine, which is neutral and non-polar, at codon 1069 of the PDGFRA protein (p.Asp1069Val).

NM_006206.6(PDGFRA):c.3206A>T (p.Asp1069Val)

Gene: PDGFRA (platelet derived growth factor receptor alpha; plus strand). Cytogenetic location: 4q12.
Variant type: single nucleotide variant.
Coding change: c.3206A>T on transcript NM_006206.6 (MANE Select); coding-DNA position 3206, A replaced by T.
Protein change: p.Asp1069Val; replaces aspartic acid 1069 with valine.
Molecular consequence: missense variant.
Genome position (GRCh38, 1-based): chr4:54,295,208, A>T. VCF-style: chr4-54295208-A-T. GRCh37 (hg19) VCF-style: chr4-55161375-A-T.
Other names: c.3281A>T, p.Asp1094Val (NM_001347828.2); c.3206A>T, p.Asp1069Val (NM_001347829.2); c.3245A>T, p.Asp1082Val (NM_001347830.2); short protein forms D1069V, D1094V, D1082V.
Identifiers: ClinVar variation 566908 (VCV000566908.9), dbSNP rs372098007, ClinGen allele CA356896625.